The following is an entry in ClinVar:

NM_006947.4(SRP72):c.749A>G (p.Asn250Ser)

Gene: SRP72 (signal recognition particle 72; plus strand). Cytogenetic location: 4q12.
Variant type: single nucleotide variant.
Coding change: c.749A>G on transcript NM_006947.4 (MANE Select); coding-DNA position 749, A replaced by G.
Protein change: p.Asn250Ser; replaces asparagine 250 with serine.
Molecular consequence: missense variant. On other transcripts: non-coding transcript variant (1), intron variant (1).
Genome position (GRCh38, 1-based): chr4:56,478,485, A>G. VCF-style: chr4-56478485-A-G. GRCh37 (hg19) VCF-style: chr4-57344651-A-G.
Other names: c.642+1783A>G (NM_001267722.2); short protein forms N250S.
Identifiers: ClinVar variation 4174985 (VCV004174985.1).
Genomic context (GRCh38, chr4:56,478,485, plus strand): 5'-GTCAGATGGCTTATATTCTGCAGCTTCAGGGTCGAACAGAGGAGGCTTTGCAACTTTACA[A>G]TCAAATAATAAAACTAAAGTGAGTTATTAAAAGGAAGTGTCTTTTATAGGGGATGGGGTT-3'
Protein context (NP_008878.3, residues 240-260): GRTEEALQLY[Asn250Ser]QIIKLKPTDV

ClinVar aggregate classification (germline): Uncertain significance (1 of 4 stars; one submission).

gnomAD v4.1: 4 of 1,613,938 alleles (0.00025%); highest among the groups gnomAD compares: African/African-American, 0.0013%; no homozygotes.

Submission:

Ambry Genetics
Classification: Uncertain significance. Last evaluated: 2025-09-04. Review status: criteria provided, single submitter. Criteria: Ambry Variant Classification Scheme 2023. Collection method: clinical testing. Allele origin: germline.
Comment: The p.N250S variant (also known as c.749A>G), located in coding exon 7 of the SRP72 gene, results from an A to G substitution at nucleotide position 749. The asparagine at codon 250 is replaced by serine, an amino acid with highly similar properties. This amino acid position is conserved. In addition, this alteration is predicted to be tolerated by in silico analysis. Based on the available evidence, the clinical significance of this variant remains unclear.